The following is an entry in ClinVar:

NM_000311.5(PRNP):c.487T>C (p.Tyr163His)

Gene: PRNP (prion protein (Kanno blood group); plus strand). Cytogenetic location: 20p13.
Variant type: single nucleotide variant.
Coding change: c.487T>C on transcript NM_000311.5 (MANE Select); coding-DNA position 487, T replaced by C.
Protein change: p.Tyr163His; replaces tyrosine 163 with histidine.
Molecular consequence: missense variant. On other transcripts: 3 prime UTR variant (1).
Genome position (GRCh38, 1-based): chr20:4,699,707, T>C. VCF-style: chr20-4699707-T-C. GRCh37 (hg19) VCF-style: chr20-4680353-T-C.
Other names: c.487T>C, p.Tyr163His (NM_001080121.3, NM_001080122.3, NM_001080123.3 and 1 more transcripts); c.*176T>C (NM_001271561.3); short protein forms Y163H.
Identifiers: ClinVar variation 2721757 (VCV002721757.3), dbSNP rs921542806, ClinGen allele CA408152459.

ClinVar aggregate classification (germline): Uncertain significance (1 of 4 stars; one submission).

Conditions:
Huntington disease-like 1 (HDL1). Also called: HUNTINGTON-LIKE NEURODEGENERATIVE DISORDER 1; HUNTINGTON-LIKE NEURODEGENERATIVE DISORDER, AUTOSOMAL DOMINANT; PRION DISEASE, EARLY-ONSET, WITH PROMINENT PSYCHIATRIC FEATURES. Identifiers: Orphanet 157941, MedGen C1864112, MONDO:0011299, OMIM 603218.

Allele frequency attached by ClinVar (database versions not stated): gnomAD exomes below 0.00001.
gnomAD v4.1: 2 of 1,614,032 alleles (0.00012%); highest among the groups gnomAD compares: Admixed American, 0.0017%; no homozygotes.

Submission:

Labcorp Genetics (formerly Invitae), Labcorp
Classification: Uncertain significance for Huntington disease-like 1. Last evaluated: 2025-09-02. Review status: criteria provided, single submitter. Criteria: Invitae Variant Classification Sherloc (09022015). Collection method: clinical testing. Allele origin: germline.
Comment: This sequence change replaces tyrosine, which is neutral and polar, with histidine, which is basic and polar, at codon 163 of the PRNP protein (p.Tyr163His). This variant is present in population databases (no rsID available, gnomAD 0.006%). This missense change has been observed in individual(s) with clinical features of genetic prion disease (PMID: 32317127). ClinVar contains an entry for this variant (Variation ID: 2721757). Invitae Evidence Modeling of protein sequence and biophysical properties (such as structural, functional, and spatial information, amino acid conservation, physicochemical variation, residue mobility, and thermodynamic stability) indicates that this missense variant is not expected to disrupt PRNP protein function with a negative predictive value of 80%. In summary, the available evidence is currently insufficient to determine the role of this variant in disease. Therefore, it has been classified as a Variant of Uncertain Significance.

Literature cited by the submitters: PubMed 32317127.